The following is an entry in ClinVar:

NM_001429.4(EP300):c.6516C>A (p.His2172Gln)

Gene: EP300 (EP300 lysine acetyltransferase; plus strand). Cytogenetic location: 22q13.2.
Variant type: single nucleotide variant.
Coding change: c.6516C>A on transcript NM_001429.4 (MANE Select); coding-DNA position 6516, C replaced by A.
Protein change: p.His2172Gln; replaces histidine 2172 with glutamine.
Molecular consequence: missense variant.
Genome position (GRCh38, 1-based): chr22:41,178,227, C>A. VCF-style: chr22-41178227-C-A. GRCh37 (hg19) VCF-style: chr22-41574231-C-A.
Other names: c.6438C>A, p.His2146Gln (NM_001362843.2); short protein forms H2172Q, H2146Q.
Identifiers: ClinVar variation 3047215 (VCV003047215.4), dbSNP rs139382344, ClinGen allele CA10253872.

ClinVar aggregate classification (germline): Likely benign. Review status: criteria provided, multiple submitters, no conflicts (2 of 4 stars). 3 submissions from 3 submitters: Likely benign (2). 1 of the submissions does not count toward it. Last evaluated 2025-10-16.

Conditions:
EP300-related disorder. Also called: EP300-related disorders; EP300-related condition.
Inborn genetic diseases. Identifiers: MedGen C0950123, MeSH D030342.
Rubinstein-Taybi syndrome due to EP300 haploinsufficiency. Also called: EP300-Related Rubinstein-Taybi Syndrome; RUBINSTEIN-TAYBI SYNDROME 2. Identifiers: Orphanet 353284, Orphanet 783, MedGen C3150941, MONDO:0013364, OMIM 613684.

Allele frequency attached by ClinVar (database versions not stated): gnomAD 0.00002; ExAC 0.00003; TOPMed 0.00005 and 0.00006; ESP Exome Variant Server 0.00015.
gnomAD v4.1: 143 of 1,614,002 alleles (0.0089%); highest among the groups gnomAD compares: Non-Finnish European, 0.011%; no homozygotes.

Submissions (3):

Labcorp Genetics (formerly Invitae), Labcorp
Classification: Likely benign for Rubinstein-Taybi syndrome due to EP300 haploinsufficiency. Last evaluated: 2025-10-16. Review status: criteria provided, single submitter. Criteria: Invitae Variant Classification Sherloc (09022015). Collection method: clinical testing. Allele origin: germline.

Ambry Genetics
Classification: Likely benign for Inborn genetic diseases. Last evaluated: 2024-12-10. Review status: criteria provided, single submitter. Criteria: Ambry Variant Classification Scheme 2023. Collection method: clinical testing. Allele origin: germline.

PreventionGenetics, part of Exact Sciences
Classification: Likely benign for EP300-related condition. Last evaluated: 2022-03-02. Review status: no assertion criteria provided. Collection method: clinical testing. Allele origin: germline. Not counted in ClinVar's aggregate classification.
Comment: This variant is classified as likely benign based on ACMG/AMP sequence variant interpretation guidelines (Richards et al. 2015 PMID: 25741868, with internal and published modifications).